The following is an entry in ClinVar:

ClinVar aggregate classification (germline): Benign/Likely benign. Review status: criteria provided, multiple submitters, no conflicts (2 of 4 stars). 2 submissions from 2 submitters: Benign (1); Likely benign (1). Last evaluated 2026-03-01.

Allele frequency attached by ClinVar (database versions not stated): gnomAD exomes 0.00091; ExAC 0.00122; gnomAD 0.00384 and 0.00417; TOPMed 0.00437; 1000 Genomes Project 0.00499; ESP Exome Variant Server 0.00531; 1000 Genomes Project 30x 0.00578.
gnomAD v4.1: 1,092 of 1,613,052 alleles (0.068%); highest among the groups gnomAD compares: African/African-American, 1.3%; 8 homozygotes.

Submissions (2):

CeGaT Center for Human Genetics Tuebingen
Classification: Likely benign. Last evaluated: 2026-03-01. Review status: criteria provided, single submitter. Criteria: CeGaT Center For Human Genetics Tuebingen Variant Classification Criteria Version 2. Collection method: clinical testing. Allele origin: germline. Affected: yes. Observed: 1 variant allele.
Comment: ATP11A: BP4, BP7, BS1

Labcorp Genetics (formerly Invitae), Labcorp
Classification: Benign. Last evaluated: 2018-06-05. Review status: criteria provided, single submitter. Criteria: Invitae Variant Classification Sherloc (09022015). Collection method: clinical testing. Allele origin: germline.

NM_015205.3(ATP11A):c.2154C>T (p.Ile718=)

Gene: ATP11A (ATPase phospholipid transporting 11A; plus strand). Cytogenetic location: 13q34.
Variant type: single nucleotide variant.
Coding change: c.2154C>T on transcript NM_015205.3 (MANE Select); coding-DNA position 2154, C replaced by T.
Protein change: p.Ile718=; no amino-acid change (isoleucine 718 retained).
Molecular consequence: synonymous variant.
Genome position (GRCh38, 1-based): chr13:112,854,441, C>T. VCF-style: chr13-112854441-C-T. GRCh37 (hg19) VCF-style: chr13-113508755-C-T.
Other names: c.2154C>T, p.Ile718= (NM_032189.4).
Identifiers: ClinVar variation 713180 (VCV000713180.7), dbSNP rs61741650, ClinGen allele CA7057052.